The following is an entry in ClinVar:

ClinVar aggregate classification (germline): Uncertain significance. Review status: criteria provided, multiple submitters, no conflicts (2 of 4 stars). 2 submissions from 2 submitters: Uncertain significance (2). Last evaluated 2025-05-11.

Conditions:
Fanconi anemia (FA). Also called: Fanconi's anemia. Identifiers: Orphanet 84, MedGen C0015625, MeSH D005199, MONDO:0019391.
Inborn genetic diseases. Identifiers: MedGen C0950123, MeSH D030342.

Allele frequency attached by ClinVar (database versions not stated): gnomAD exomes below 0.00001.

Submissions (2):

Ambry Genetics
Classification: Uncertain significance for Inborn genetic diseases. Last evaluated: 2025-05-11. Review status: criteria provided, single submitter. Criteria: Ambry Variant Classification Scheme 2023. Collection method: clinical testing. Allele origin: germline.
Comment: The p.A908G variant (also known as c.2723C>G), located in coding exon 14 of the FANCM gene, results from a C to G substitution at nucleotide position 2723. The alanine at codon 908 is replaced by glycine, an amino acid with similar properties. This amino acid position is conserved. In addition, this alteration is predicted to be tolerated by in silico analysis. Based on the available evidence, the clinical significance of this variant remains unclear.

Labcorp Genetics (formerly Invitae), Labcorp
Classification: Uncertain significance for Fanconi anemia. Last evaluated: 2019-01-24. Review status: criteria provided, single submitter. Criteria: Invitae Variant Classification Sherloc (09022015). Collection method: clinical testing. Allele origin: germline.
Comment: In summary, the available evidence is currently insufficient to determine the role of this variant in disease. Therefore, it has been classified as a Variant of Uncertain Significance. Algorithms developed to predict the effect of missense changes on protein structure and function (SIFT, PolyPhen-2, Align-GVGD) all suggest that this variant is likely to be tolerated, but these predictions have not been confirmed by published functional studies and their clinical significance is uncertain. This variant has not been reported in the literature in individuals with FANCM-related conditions. This variant is present in population databases (rs201464936, ExAC 0.002%). This sequence change replaces alanine with glycine at codon 908 of the FANCM protein (p.Ala908Gly). The alanine residue is weakly conserved and there is a small physicochemical difference between alanine and glycine.

NM_020937.4(FANCM):c.2723C>G (p.Ala908Gly)

Gene: FANCM (FA complementation group M; plus strand). Cytogenetic location: 14q21.2.
Variant type: single nucleotide variant.
Coding change: c.2723C>G on transcript NM_020937.4 (MANE Select); coding-DNA position 2723, C replaced by G.
Protein change: p.Ala908Gly; replaces alanine 908 with glycine.
Molecular consequence: missense variant.
Genome position (GRCh38, 1-based): chr14:45,175,477, C>G. VCF-style: chr14-45175477-C-G. GRCh37 (hg19) VCF-style: chr14-45644680-C-G.
Other names: c.2645C>G, p.Ala882Gly (NM_001308133.2); short protein forms A882G, A908G.
Identifiers: ClinVar variation 856425 (VCV000856425.10), dbSNP rs201464936, ClinGen allele CA7169398.